The following is an entry in ClinVar:

NM_001042492.3(NF1):c.4725-1G>C

Gene: NF1 (neurofibromin 1; plus strand). Cytogenetic location: 17q11.2.
Variant type: single nucleotide variant.
Coding change: c.4725-1G>C on transcript NM_001042492.3 (MANE Select); the canonical splice acceptor site of the intron before coding-DNA position 4725, G replaced by C.
Molecular consequence: splice acceptor variant.
Genome position (GRCh38, 1-based): chr17:31,265,228, G>C. VCF-style: chr17-31265228-G-C. GRCh37 (hg19) VCF-style: chr17-29592246-G-C.
Other names: c.4662-1G>C (NM_000267.4).
Identifiers: ClinVar variation 1456067 (VCV001456067.8), dbSNP rs1555619391, ClinGen allele CA399001139.

ClinVar aggregate classification (germline): Pathogenic (1 of 4 stars; one submission).

Conditions:
Neurofibromatosis, type 1 (NF1). Also called: Neurofibromatosis, type I; VON RECKLINGHAUSEN DISEASE; NEUROFIBROMATOSIS, TYPE I, SOMATIC; Peripheral type neurofibromatosis. Identifiers: Orphanet 636, MedGen C0027831, MONDO:0018975, OMIM 162200. Disease mechanism: loss of function.

Submission:

Labcorp Genetics (formerly Invitae), Labcorp
Classification: Pathogenic for Neurofibromatosis, type 1. Last evaluated: 2021-04-17. Review status: criteria provided, single submitter. Criteria: Invitae Variant Classification Sherloc (09022015). Collection method: clinical testing. Allele origin: germline.
Comment: For these reasons, this variant has been classified as Pathogenic. Algorithms developed to predict the effect of sequence changes on RNA splicing suggest that this variant may disrupt the consensus splice site, but this prediction has not been confirmed by published transcriptional studies. Disruption of this splice site has been observed in individual(s) with clinical features of neurofibromatosis type 1 (NF1) (PMID: 31533651, Invitae). This variant is not present in population databases (ExAC no frequency). This sequence change affects an acceptor splice site in intron 34 of the NF1 gene. It is expected to disrupt RNA splicing. Variants that disrupt the donor or acceptor splice site typically lead to a loss of protein function (PMID: 16199547), and loss-of-function variants in NF1 are known to be pathogenic (PMID: 10712197, 23913538).

Literature cited by the submitters: PubMed 31533651; PubMed 16199547; PubMed 10712197; PubMed 23913538.